The following is an entry in ClinVar:

ClinVar aggregate classification (germline): Uncertain significance (1 of 4 stars; one submission).

Conditions:
Myoclonic dystonia 11 (DYT11). Also called: Myoclonic dystonia; Dystonia 11; Dystonia, alcohol responsive; Hereditary essential myoclonus; SGCE Myoclonus-Dystonia; Myoclonus-Dystonia. Identifiers: Orphanet 36899, MedGen C1834570, MONDO:0008044, OMIM 159900.

Submission:

Labcorp Genetics (formerly Invitae), Labcorp
Classification: Uncertain significance for Myoclonic dystonia 11. Last evaluated: 2025-09-20. Review status: criteria provided, single submitter. Criteria: Invitae Variant Classification Sherloc (09022015). Collection method: clinical testing. Allele origin: germline.
Comment: This sequence change replaces alanine, which is neutral and non-polar, with proline, which is neutral and non-polar, at codon 186 of the SGCE protein (p.Ala186Pro). This variant is not present in population databases (gnomAD no frequency). This variant has not been reported in the literature in individuals affected with SGCE-related conditions. Invitae Evidence Modeling of protein sequence and biophysical properties (such as structural, functional, and spatial information, amino acid conservation, physicochemical variation, residue mobility, and thermodynamic stability) indicates that this missense variant is not expected to disrupt SGCE protein function with a negative predictive value of 80%. In summary, the available evidence is currently insufficient to determine the role of this variant in disease. Therefore, it has been classified as a Variant of Uncertain Significance.

NM_003919.3(SGCE):c.556G>C (p.Ala186Pro)

Genes: CASD1 (CAS1 domain sialic acid O acetyltransferase 1; plus strand), SGCE (sarcoglycan epsilon; minus strand). Cytogenetic location: 7q21.3.
Variant type: single nucleotide variant.
Coding change: c.556G>C on transcript NM_003919.3 (MANE Select); coding-DNA position 556, G replaced by C.
Protein change: p.Ala186Pro; replaces alanine 186 with proline.
Molecular consequence: missense variant.
Genome position (GRCh38, 1-based): chr7:94,618,864, C>G on the plus strand (G>C on the coding strand, the complement: SGCE is on the minus strand). VCF-style: chr7-94618864-C-G. GRCh37 (hg19) VCF-style: chr7-94248176-C-G.
Other names: c.556G>C, p.Ala186Pro (NM_001346717.2, NM_001099400.2, NM_001099401.2); c.469G>C, p.Ala157Pro (NM_001346719.2, NM_001362807.2); c.283G>C, p.Ala95Pro (NM_001346720.2, NM_001362808.2); c.433G>C, p.Ala145Pro (NM_001362809.2, NM_001301139.2); c.664G>C, p.Ala222Pro (NM_001346713.2, NM_001346715.2); short protein forms A157P, A186P, A222P, A145P, A95P.
Identifiers: ClinVar variation 4690327 (VCV004690327.1).
Genomic context (GRCh38, chr7:94,618,864, plus strand): 5'-CTAGGGCCGATGTGATGTTTATGGCGTTCAGGCGCTCTGGCTGCCACACATTTTTCACTG[C>G]GCCAAGAAAGTCTCCAAGAACCTCACTGGCCAACATTTCTTCTACATTCATATTCTTAAT-3'
Protein context (NP_003910.1, residues 176-196): ASEVLGDFLG[Ala186Pro]VKNVWQPERL